The following is an entry in ClinVar:

NM_000271.5(NPC1):c.1010G>A (p.Arg337Gln)

Gene: NPC1 (NPC intracellular cholesterol transporter 1; minus strand). Cytogenetic location: 18q11.2.
Variant type: single nucleotide variant.
Coding change: c.1010G>A on transcript NM_000271.5 (MANE Select); coding-DNA position 1010, G replaced by A.
Protein change: p.Arg337Gln; replaces arginine 337 with glutamine.
Molecular consequence: missense variant.
Genome position (GRCh38, 1-based): chr18:23,556,559, C>T on the plus strand (G>A on the coding strand, the complement: NPC1 is on the minus strand). VCF-style: chr18-23556559-C-T. GRCh37 (hg19) VCF-style: chr18-21136523-C-T.
Other names: short protein forms R337Q.
Identifiers: ClinVar variation 502348 (VCV000502348.6), dbSNP rs373390781, ClinGen allele CA8913555.

ClinVar aggregate classification (germline): Uncertain significance. Review status: criteria provided, multiple submitters, no conflicts (2 of 4 stars). 2 submissions from 2 submitters: Uncertain significance (2). Last evaluated 2022-10-18.

Conditions:
Niemann-Pick disease, type C1. Also called: NIEMANN-PICK DISEASE, VARIANT TYPE C1; NEUROVISCERAL STORAGE DISEASE WITH VERTICAL SUPRANUCLEAR OPHTHALMOPLEGIA; NIEMANN-PICK DISEASE WITH CHOLESTEROL ESTERIFICATION BLOCK; NIEMANN-PICK DISEASE WITHOUT SPHINGOMYELINASE DEFICIENCY; NIEMANN-PICK DISEASE, CHRONIC NEURONOPATHIC FORM. Identifiers: Orphanet 646, MedGen C3179455, MONDO:0009757, OMIM 257220.

Allele frequency attached by ClinVar (database versions not stated): gnomAD exomes 0.00001 and 0.00002; ExAC 0.00002; gnomAD 0.00004 and 0.00005; TOPMed 0.00005; ESP Exome Variant Server 0.00008; 1000 Genomes Project 0.00040; 1000 Genomes Project 30x 0.00047.
gnomAD v4.1: 19 of 1,614,110 alleles (0.0012%); highest among the groups gnomAD compares: African/African-American, 0.013%; no homozygotes.

Submissions (2):

Labcorp Genetics (formerly Invitae), Labcorp
Classification: Uncertain significance for Niemann-Pick disease, type C1. Last evaluated: 2022-10-18. Review status: criteria provided, single submitter. Criteria: Invitae Variant Classification Sherloc (09022015). Collection method: clinical testing. Allele origin: germline.
Comment: This sequence change replaces arginine, which is basic and polar, with glutamine, which is neutral and polar, at codon 337 of the NPC1 protein (p.Arg337Gln). This variant is present in population databases (rs373390781, gnomAD 0.008%). This variant has not been reported in the literature in individuals affected with NPC1-related conditions. ClinVar contains an entry for this variant (Variation ID: 502348). Advanced modeling of protein sequence and biophysical properties (such as structural, functional, and spatial information, amino acid conservation, physicochemical variation, residue mobility, and thermodynamic stability) performed at Invitae indicates that this missense variant is not expected to disrupt NPC1 protein function. In summary, the available evidence is currently insufficient to determine the role of this variant in disease. Therefore, it has been classified as a Variant of Uncertain Significance.

Eurofins Ntd Llc (ga)
Classification: Uncertain significance. Last evaluated: 2017-05-31. Review status: criteria provided, single submitter. Criteria: EGL Classification Definitions 2015. Collection method: clinical testing. Allele origin: germline. Observed: 1 variant allele, 1 heterozygote.